The following is an entry in ClinVar:

NM_182914.3(SYNE2):c.19657+6G>A

Gene: SYNE2 (spectrin repeat containing nuclear envelope protein 2; plus strand). Cytogenetic location: 14q23.2.
Variant type: single nucleotide variant.
Coding change: c.19657+6G>A on transcript NM_182914.3 (MANE Select); 6 bases into the intron after coding-DNA position 19657, G replaced by A.
Molecular consequence: intron variant.
Genome position (GRCh38, 1-based): chr14:64,218,518, G>A. VCF-style: chr14-64218518-G-A. GRCh37 (hg19) VCF-style: chr14-64685236-G-A.
Other names: c.19588+6G>A (NM_015180.6); c.559+6G>A (NM_182913.4); c.181+6G>A (NM_182910.2).
Identifiers: ClinVar variation 1010234 (VCV001010234.8), dbSNP rs202159156, ClinGen allele CA7224529.

ClinVar aggregate classification (germline): Uncertain significance (1 of 4 stars; one submission).

Conditions:
Emery-Dreifuss muscular dystrophy 5, autosomal dominant (EDMD5). Also called: EMERY-DREIFUSS MUSCULAR DYSTROPHY 5. Identifiers: Orphanet 261, MedGen C2751805, MONDO:0013072, OMIM 612999.

Allele frequency attached by ClinVar (database versions not stated): TOPMed 0.00002; gnomAD exomes 0.00004; gnomAD 0.00005; ExAC 0.00006; ESP Exome Variant Server 0.00008.
gnomAD v4.1: 66 of 1,613,184 alleles (0.0041%); highest among the groups gnomAD compares: South Asian, 0.013%; no homozygotes.

Submission:

Labcorp Genetics (formerly Invitae), Labcorp
Classification: Uncertain significance for Emery-Dreifuss muscular dystrophy 5, autosomal dominant. Last evaluated: 2023-10-20. Review status: criteria provided, single submitter. Criteria: Invitae Variant Classification Sherloc (09022015). Collection method: clinical testing. Allele origin: germline.
Comment: This sequence change falls in intron 109 of the SYNE2 gene. It does not directly change the encoded amino acid sequence of the SYNE2 protein. It affects a nucleotide within the consensus splice site. This variant is present in population databases (rs202159156, gnomAD 0.02%). This variant has not been reported in the literature in individuals affected with SYNE2-related conditions. ClinVar contains an entry for this variant (Variation ID: 1010234). Variants that disrupt the consensus splice site are a relatively common cause of aberrant splicing (PMID: 17576681, 9536098). Algorithms developed to predict the effect of sequence changes on RNA splicing suggest that this variant is not likely to affect RNA splicing. In summary, the available evidence is currently insufficient to determine the role of this variant in disease. Therefore, it has been classified as a Variant of Uncertain Significance.

Literature cited by the submitters: PubMed 17576681; PubMed 9536098.